The following is an entry in ClinVar:

NM_001009944.3(PKD1):c.10540C>T (p.Gln3514Ter)

Genes: PKD1 (polycystin 1, transient receptor potential channel interacting; minus strand), PKD1-AS1 (PKD1 antisense RNA 1; plus strand). Cytogenetic location: 16p13.3.
Variant type: single nucleotide variant.
Coding change: c.10540C>T on transcript NM_001009944.3 (MANE Select); coding-DNA position 10540, C replaced by T.
Protein change: p.Gln3514Ter; replaces glutamine 3514 with a stop codon.
Molecular consequence: nonsense.
Genome position (GRCh38, 1-based): chr16:2,094,170, G>A on the plus strand (C>T on the coding strand, the complement: PKD1 is on the minus strand). VCF-style: chr16-2094170-G-A. GRCh37 (hg19) VCF-style: chr16-2144171-G-A.
Other names: c.10537C>T, p.Gln3513Ter (NM_000296.4); c.10540C>T (NM_001009944.2); short protein forms Q3513*, Q3514*.
Identifiers: ClinVar variation 618311 (VCV000618311.12), dbSNP rs1567159623, ClinGen allele CA394341767.

ClinVar aggregate classification (germline): Pathogenic. Review status: criteria provided, multiple submitters, no conflicts (2 of 4 stars). 4 submissions from 4 submitters: Pathogenic (3). 1 of the submissions does not count toward it. Last evaluated 2026-03-16.

Conditions:
PKD1-related disorder. Also called: PKD1-related condition.

Allele frequency attached by ClinVar (database versions not stated): gnomAD exomes below 0.00001.
gnomAD v4.1: 1 of 1,605,666 alleles (0.000062%); highest among the groups gnomAD compares: Non-Finnish European, 0.000085%; no homozygotes.

Submissions (4):

GeneDx
Classification: Pathogenic. Last evaluated: 2026-03-16. Review status: criteria provided, single submitter. Criteria: GeneDx Variant Classification Process June 2021. Collection method: clinical testing. Allele origin: germline.
Comment: Nonsense variant predicted to result in protein truncation or nonsense mediated decay in a gene for which loss of function is a known mechanism of disease; Not observed at significant frequency in large population cohorts (gnomAD); This variant is associated with the following publications: (PMID: 25525159, 9199561, 35177841, 31488014, 22508176)

Blueprint Genetics
Classification: Pathogenic for PKD1-related disorders. Last evaluated: 2020-07-14. Review status: criteria provided, single submitter. Criteria: ACMG Guidelines, 2015. Collection method: clinical testing. Allele origin: germline. Affected: yes. Observed: 1 variant allele.

ARUP Laboratories, Molecular Genetics and Genomics, ARUP Laboratories
Classification: Pathogenic. Last evaluated: 2017-12-21. Review status: criteria provided, single submitter. Criteria: ARUP Molecular Germline Variant Investigation Process. Collection method: clinical testing. Allele origin: germline.
Comment: The PKD1 c.10540C>T, p.Gln3514Ter variant has been reported in multiple individuals diagnosed with autosomal polycystic kidney disease (Audrezet 2012, Peral 1997). It is not observed in the dbSNP variant databse, in the ClinVar database, or in the general population databases, such as the 1000 Genomes Project, Exome Variant Server, and Genome Aggregation Database. The variant introduces a premature termination codon, and is predicted to result in a truncated protein or an absent transcript. Based on the above information, the p.Gln3514Ter variant is classified as pathogenic. References: Audrezet M et al. Autosomal dominant polycystic kidney disease: comprehensive mutation analysis of PKD1 and PKD2 in 700 unrelated patients. Hum Mutat. 2012; 33(8):1239-50. Peral B et al. Identification of mutations in the duplicated region of the polycystic kidney disease 1 gene (PKD1) by a novel approach. Am J Hum Genet. 1997; 60(6):1399-410.

PreventionGenetics, part of Exact Sciences
Classification: Pathogenic for PKD1-related condition. Last evaluated: 2024-05-31. Review status: no assertion criteria provided. Collection method: clinical testing. Allele origin: germline. Not counted in ClinVar's aggregate classification.
Comment: The PKD1 c.10540C>T variant is predicted to result in premature protein termination (p.Gln3514*). This variant has been reported in an individual with Polycystic kidney disease (Reported as p.Gln3513*, Peral et al. 1997. PubMed ID: 9199561). This variant has not been reported in a large population database, indicating this variant is rare. Nonsense variants in PKD1 are expected to be pathogenic. This variant is interpreted as pathogenic.